The following is an entry in ClinVar:

ClinVar aggregate classification (germline): Uncertain significance (1 of 4 stars; one submission).

Conditions:
Periodic fever-infantile enterocolitis-autoinflammatory syndrome. Also called: Autoinflammation with infantile enterocolitis. Identifiers: Orphanet 436166, MedGen C4015067, MONDO:0014472, OMIM 616050.
Familial cold autoinflammatory syndrome 4 (FCAS4). Identifiers: Orphanet 47045, Orphanet 576349, MedGen C4015276, MONDO:0014498, OMIM 616115.

Submission:

Labcorp Genetics (formerly Invitae), Labcorp
Classification: Uncertain significance for Periodic fever-infantile enterocolitis-autoinflammatory syndrome; Familial cold autoinflammatory syndrome 4. Last evaluated: 2025-03-16. Review status: criteria provided, single submitter. Criteria: Invitae Variant Classification Sherloc (09022015). Collection method: clinical testing. Allele origin: germline.
Comment: This sequence change replaces methionine, which is neutral and non-polar, with lysine, which is basic and polar, at codon 184 of the NLRC4 protein (p.Met184Lys). This variant is not present in population databases (gnomAD no frequency). This variant has not been reported in the literature in individuals affected with NLRC4-related conditions. Invitae Evidence Modeling of protein sequence and biophysical properties (such as structural, functional, and spatial information, amino acid conservation, physicochemical variation, residue mobility, and thermodynamic stability) indicates that this missense variant is not expected to disrupt NLRC4 protein function with a negative predictive value of 80%. In summary, the available evidence is currently insufficient to determine the role of this variant in disease. Therefore, it has been classified as a Variant of Uncertain Significance.

NM_001199138.2(NLRC4):c.551T>A (p.Met184Lys)

Gene: NLRC4 (NLR family CARD domain containing 4; minus strand). Cytogenetic location: 2p22.3.
Variant type: single nucleotide variant.
Coding change: c.551T>A on transcript NM_001199138.2 (MANE Select); coding-DNA position 551, T replaced by A.
Protein change: p.Met184Lys; replaces methionine 184 with lysine.
Molecular consequence: missense variant. On other transcripts: intron variant (1).
Genome position (GRCh38, 1-based): chr2:32,251,313, A>T on the plus strand (T>A on the coding strand, the complement: NLRC4 is on the minus strand). VCF-style: chr2-32251313-A-T. GRCh37 (hg19) VCF-style: chr2-32476382-A-T.
Other names: c.551T>A, p.Met184Lys (NM_001199139.2, NM_021209.5); c.262+1106T>A (NM_001302504.1); short protein forms M184K.
Identifiers: ClinVar variation 4782787 (VCV004782787.1).